The following is an entry in ClinVar:

NM_000138.5(FBN1):c.3463+3A>G

Gene: FBN1 (fibrillin 1; minus strand). Cytogenetic location: 15q21.1.
Variant type: single nucleotide variant.
Coding change: c.3463+3A>G on transcript NM_000138.5 (MANE Select); 3 bases into the intron after coding-DNA position 3463, A replaced by G.
Molecular consequence: intron variant.
Genome position (GRCh38, 1-based): chr15:48,487,309, T>C on the plus strand (A>G on the coding strand, the complement: FBN1 is on the minus strand). VCF-style: chr15-48487309-T-C. GRCh37 (hg19) VCF-style: chr15-48779506-T-C.
Other names: p.?.
Identifiers: ClinVar variation 42337 (VCV000042337.78), dbSNP rs80344206, ClinGen allele CA014148.
Genomic context (GRCh38, chr15:48,487,309, plus strand): 5'-TTGGCAATGATGTCATTCAAACAACTGACCACAAGTAAATGGTGTGAAAGTCTTTCTCCT[T>C]ACCGATACACGCGGAGATGTTGGGGGACAGCTGATGGCCAGGCGGGCATTCACAGCGGTA-3'

ClinVar aggregate classification (germline): Benign/Likely benign. Review status: criteria provided, multiple submitters, no conflicts (2 of 4 stars). 18 submissions from 12 submitters: Benign (15); Likely benign (3). Last evaluated 2026-02-03.

Conditions:
Geleophysic dysplasia. Identifiers: Orphanet 2623, MedGen C3489726, MONDO:0000127.
Connective tissue disorder. Also called: Connective tissue disease. Identifiers: MedGen C0009782, MONDO:0003900.
Weill-Marchesani syndrome. Also called: WM Syndrome; Mesodermal dysmorphodystrophy congenital. Identifiers: Orphanet 3449, MedGen C0265313, MONDO:0018096.
Marfan syndrome (MFS). Also called: FBN1-Related Marfan Syndrome; Marfan syndrome, classic; MARFAN SYNDROME, TYPE I; Marfan syndrome type 1; Marfan's syndrome. Identifiers: Orphanet 284963, Orphanet 558, MedGen C0024796, MONDO:0007947, OMIM 154700.
Familial thoracic aortic aneurysm and aortic dissection (TAAD). Also called: Thoracic aortic aneurysms and dissections. Identifiers: Orphanet 91387, MedGen C4707243, MONDO:0019625.
Acromicric dysplasia (ACMICD). Also called: Acromicric skeletal dysplasia. Identifiers: Orphanet 969, MedGen C0265287, MONDO:0007055, OMIM 102370.
Ectopia lentis 1, isolated, autosomal dominant (ECTOL1). Identifiers: Orphanet 1885, MedGen C3541518, MONDO:0007514, OMIM 129600.
Stiff skin syndrome (SSKS). Identifiers: Orphanet 2833, MedGen C1861456, MONDO:0008492, OMIM 184900.

Allele frequency attached by ClinVar (database versions not stated): 1000 Genomes Project 0.01078; TOPMed 0.00187; ExAC 0.00311; 1000 Genomes Project 30x 0.00999; ESP Exome Variant Server 0.00008; gnomAD exomes 0.00075 and 0.00358; gnomAD 0.00128 and 0.00179.
gnomAD v4.1: 1,511 of 1,614,146 alleles (0.094%); highest among the groups gnomAD compares: East Asian, 2.7%; 36 homozygotes.

Submissions (18):

Labcorp Genetics (formerly Invitae), Labcorp
Classification: Benign for Marfan syndrome; Familial thoracic aortic aneurysm and aortic dissection. Last evaluated: 2026-02-03. Review status: criteria provided, single submitter. Criteria: Invitae Variant Classification Sherloc (09022015). Collection method: clinical testing. Allele origin: germline.

ARUP Laboratories, Molecular Genetics and Genomics, ARUP Laboratories
Classification: Benign. Last evaluated: 2025-05-26. Review status: criteria provided, single submitter. Criteria: ARUP Molecular Germline Variant Investigation Process 2024. Collection method: clinical testing. Allele origin: germline.

Mayo Clinic Laboratories, Mayo Clinic
Classification: Benign. Last evaluated: 2024-12-27. Review status: criteria provided, single submitter. Criteria: ACMG Guidelines, 2015. Collection method: clinical testing. Allele origin: germline. Observed: 1 variant allele.

Blueprint Genetics
Classification: Likely benign. Last evaluated: 2024-11-14. Review status: criteria provided, single submitter. Criteria: ACMG Guidelines, 2015. Collection method: clinical testing. Allele origin: germline.

Genome Diagnostics Laboratory, The Hospital for Sick Children
Classification: Likely benign for Connective tissue disorder. Last evaluated: 2021-12-22. Review status: criteria provided, single submitter. Criteria: ACMG Guidelines, 2015. Collection method: clinical testing. Allele origin: germline.

CHEO Genetics Diagnostic Laboratory, Children's Hospital of Eastern Ontario
Classification: Benign for Familial thoracic aortic aneurysm and aortic dissection. Last evaluated: 2018-10-04. Review status: criteria provided, single submitter. Criteria: ACMG Guidelines, 2015. Collection method: clinical testing. Allele origin: germline.

Color Diagnostics, LLC DBA Color Health
Classification: Benign for Familial thoracic aortic aneurysm and aortic dissection. Last evaluated: 2018-03-09. Review status: criteria provided, single submitter. Criteria: ACMG Guidelines, 2015. Collection method: clinical testing. Allele origin: germline.

Eurofins Ntd Llc (ga)
Classification: Benign. Last evaluated: 2018-02-14. Review status: criteria provided, single submitter. Criteria: EGL ClinVar v180209 classification definitions. Collection method: clinical testing. Allele origin: germline. Observed: 1 variant allele, 1 heterozygote.

Illumina Laboratory Services, Illumina
Classification: Benign for Geleophysic dysplasia. Last evaluated: 2018-01-13. Review status: criteria provided, single submitter. Criteria: ICSL Variant Classification Criteria 13 December 2019. Collection method: clinical testing. Allele origin: germline.
Comment: This variant was observed in the ICSL laboratory as part of a predisposition screen in an ostensibly healthy population. It had not been previously curated by ICSL or reported in the Human Gene Mutation Database (HGMD: prior to June 1st, 2018), and was therefore a candidate for classification through an automated scoring system. Utilizing variant allele frequency, disease prevalence and penetrance estimates, and inheritance mode, an automated score was calculated to assess if this variant is too frequent to cause the disease. Based on the score and internal cut-off values, a variant classified as benign is not then subjected to further curation. The score for this variant resulted in a classification of benign for this disease.

Illumina Laboratory Services, Illumina
Classification: Benign for Marfan syndrome. Last evaluated: 2018-01-13. Review status: criteria provided, single submitter. Criteria: ICSL Variant Classification Criteria 13 December 2019. Collection method: clinical testing. Allele origin: germline.
Comment: the same text as in the submission from Illumina Laboratory Services, Illumina above.

Illumina Laboratory Services, Illumina
Classification: Benign for Ectopia lentis 1, isolated, autosomal dominant. Last evaluated: 2018-01-13. Review status: criteria provided, single submitter. Criteria: ICSL Variant Classification Criteria 13 December 2019. Collection method: clinical testing. Allele origin: germline.
Comment: the same text as in the submission from Illumina Laboratory Services, Illumina above.

Illumina Laboratory Services, Illumina
Classification: Benign for Weill-Marchesani syndrome. Last evaluated: 2018-01-13. Review status: criteria provided, single submitter. Criteria: ICSL Variant Classification Criteria 13 December 2019. Collection method: clinical testing. Allele origin: germline.
Comment: the same text as in the submission from Illumina Laboratory Services, Illumina above.

Illumina Laboratory Services, Illumina
Classification: Benign for Stiff skin syndrome. Last evaluated: 2018-01-13. Review status: criteria provided, single submitter. Criteria: ICSL Variant Classification Criteria 13 December 2019. Collection method: clinical testing. Allele origin: germline.
Comment: the same text as in the submission from Illumina Laboratory Services, Illumina above.

Illumina Laboratory Services, Illumina
Classification: Benign for Acromicric dysplasia. Last evaluated: 2018-01-13. Review status: criteria provided, single submitter. Criteria: ICSL Variant Classification Criteria 13 December 2019. Collection method: clinical testing. Allele origin: germline.
Comment: the same text as in the submission from Illumina Laboratory Services, Illumina above.

Illumina Laboratory Services, Illumina
Classification: Likely benign for Familial thoracic aortic aneurysm and aortic dissection. Last evaluated: 2018-01-13. Review status: criteria provided, single submitter. Criteria: ICSL Variant Classification Criteria 13 December 2019. Collection method: clinical testing. Allele origin: germline.
Comment: This variant was observed in the ICSL laboratory as part of a predisposition screen in an ostensibly healthy population. It had not been previously curated by ICSL or reported in the Human Gene Mutation Database (HGMD: prior to June 1st, 2018), and was therefore a candidate for classification through an automated scoring system. Utilizing variant allele frequency, disease prevalence and penetrance estimates, and inheritance mode, an automated score was calculated to assess if this variant is too frequent to cause the disease. Based on the score and internal cut-off values, a variant classified as likely benign is not then subjected to further curation. The score for this variant resulted in a classification of likely benign for this disease.

Laboratory for Molecular Medicine, Mass General Brigham Personalized Medicine
Classification: Benign. Last evaluated: 2015-09-14. Review status: criteria provided, single submitter. Criteria: LMM Criteria. Collection method: clinical testing. Allele origin: germline. Observed: 5 variant alleles.
Comment: proposed classification - variant undergoing re-assessment, contact laboratory

Ambry Genetics
Classification: Benign for Familial thoracic aortic aneurysm and aortic dissection. Last evaluated: 2015-07-24. Review status: criteria provided, single submitter. Criteria: Ambry Variant Classification Scheme 2023. Collection method: clinical testing. Allele origin: germline.

GeneDx
Classification: Benign. Last evaluated: 2013-05-01. Review status: criteria provided, single submitter. Criteria: GeneDx Variant Classification (06012015). Collection method: clinical testing. Allele origin: germline. Affected: yes.
Comment: This variant is considered likely benign or benign based on one or more of the following criteria: it is a conservative change, it occurs at a poorly conserved position in the protein, it is predicted to be benign by multiple in silico algorithms, and/or has population frequency not consistent with disease.